The following is an entry in ClinVar:

NM_004364.5(CEBPA):c.572_573insTCCGCA (p.Pro196_Pro197insHisPro)

Gene: CEBPA (CCAAT enhancer binding protein alpha; minus strand). Cytogenetic location: 19q13.11.
Variant type: Insertion.
Coding change: c.572_573insTCCGCA on transcript NM_004364.5 (MANE Select); coding-DNA positions 572 to 573, TCCGCA inserted.
Protein change: p.Pro196_Pro197insHisPro.
Molecular consequence: inframe indel (on NM_004364.3).
Genome position: GRCh38 VCF-style: chr19-33301842-G-GTGCGGA. GRCh37 (hg19) VCF-style: chr19-33792748-G-GTGCGGA.
Other names: c.215_216insTCCGCA, p.Pro77_Pro78insHisPro (NM_001285829.2); c.677_678insTCCGCA, p.Pro231_Pro232insHisPro (NM_001287424.2); c.530_531insTCCGCA, p.Pro182_Pro183insHisPro (NM_001287435.2); c.572_573insTCCGCA (NM_004364.3).
Identifiers: ClinVar variation 4225032 (VCV004225032.1).

ClinVar aggregate classification (germline): Uncertain significance (1 of 4 stars; one submission).

Conditions:
Inborn genetic diseases. Identifiers: MedGen C0950123, MeSH D030342.

Submission:

Ambry Genetics
Classification: Uncertain significance for Inborn genetic diseases. Last evaluated: 2025-07-04. Review status: criteria provided, single submitter. Criteria: Ambry Variant Classification Scheme 2023. Collection method: clinical testing. Allele origin: germline.
Comment: The c.572_573insTCCGCA variant (also known as p.P196_P197insPH), located in coding exon 1 of the CEBPA gene, results from an in-frame TCCGCA insertion at nucleotide positions 572 to 573. This results in the insertion of 2 amino acids (PH) between codons 196 and 197. This amino acid region is well conserved in available vertebrate species. In addition, this variant is predicted to be neutral by in silico analysis (Choi Y et al. PLoS ONE. 2012; 7(10):e46688). Based on the available evidence, the clinical significance of this variant remains unclear.